The following is an entry in ClinVar:

ClinVar aggregate classification (germline): Uncertain significance (1 of 4 stars; one submission).

Conditions:
Idiopathic generalized epilepsy. Also called: Generalised epilepsy; EIG. Identifiers: MedGen C0270850, MONDO:0005579, OMIM 600669.

Allele frequency attached by ClinVar (database versions not stated): gnomAD 0.00002; gnomAD exomes 0.00002; TOPMed 0.00002.
gnomAD v4.1: 25 of 1,536,078 alleles (0.0016%); highest among the groups gnomAD compares: Non-Finnish European, 0.0022%; no homozygotes.

Submission:

Labcorp Genetics (formerly Invitae), Labcorp
Classification: Uncertain significance for Idiopathic generalized epilepsy. Last evaluated: 2023-10-10. Review status: criteria provided, single submitter. Criteria: Invitae Variant Classification Sherloc (09022015). Collection method: clinical testing. Allele origin: germline.
Comment: This sequence change falls in intron 10 of the RBFOX3 gene. It does not directly change the encoded amino acid sequence of the RBFOX3 protein. This variant is present in population databases (no rsID available, gnomAD 0.003%). This variant has not been reported in the literature in individuals affected with RBFOX3-related conditions. Algorithms developed to predict the effect of sequence changes on RNA splicing suggest that this variant may create or strengthen a splice site. In summary, the available evidence is currently insufficient to determine the role of this variant in disease. Therefore, it has been classified as a Variant of Uncertain Significance.

NM_001350451.2(RBFOX3):c.623-17G>A

Gene: RBFOX3 (RNA binding fox-1 homolog 3; minus strand). Cytogenetic location: 17q25.3.
Variant type: single nucleotide variant.
Coding change: c.623-17G>A on transcript NM_001350451.2 (MANE Select); 17 bases into the intron before coding-DNA position 623, G replaced by A.
Molecular consequence: intron variant.
Genome position (GRCh38, 1-based): chr17:79,097,441, C>T on the plus strand (G>A on the coding strand, the complement: RBFOX3 is on the minus strand). VCF-style: chr17-79097441-C-T. GRCh37 (hg19) VCF-style: chr17-77093523-C-T.
Other names: c.623-17G>A (NM_001385811.1, NM_001385805.1, NM_001385825.1 and 33 more transcripts); c.620-17G>A (NM_001385806.1, NM_001385846.1, NM_001385822.1 and 4 more transcripts); c.530-17G>A (NM_001385824.1); c.644-17G>A (NM_001385827.1); c.476-17G>A (NM_001385847.1).
Identifiers: ClinVar variation 2716816 (VCV002716816.3), dbSNP rs1467252800, ClinGen allele CA627683752.